The following is an entry in ClinVar:

NM_020975.6(RET):c.2723G>A (p.Arg908Lys)

Gene: RET (ret proto-oncogene; plus strand). Cytogenetic location: 10q11.21.
Variant type: single nucleotide variant.
Coding change: c.2723G>A on transcript NM_020975.6 (MANE Select); coding-DNA position 2723, G replaced by A.
Protein change: p.Arg908Lys; replaces arginine 908 with lysine.
Molecular consequence: missense variant.
Genome position (GRCh38, 1-based): chr10:43,120,196, G>A. VCF-style: chr10-43120196-G-A. GRCh37 (hg19) VCF-style: chr10-43615644-G-A.
Other names: c.2723G>A, p.Arg908Lys (NM_001406743.1, NM_001406744.1, NM_001406759.1 and 4 more transcripts); c.2594G>A, p.Arg865Lys (NM_001406761.1, NM_001406762.1, NM_001406764.1); c.2588G>A, p.Arg863Lys (NM_001406763.1, NM_001406765.1); c.2435G>A, p.Arg812Lys (NM_001406766.1, NM_001406767.1, NM_001406770.1); c.1997G>A, p.Arg666Lys (NM_001406776.1, NM_001406777.1, NM_001406778.1 and 1 more transcripts); c.1826G>A, p.Arg609Lys (NM_001406779.1, NM_001406780.1, NM_001406781.1 and 1 more transcripts); c.1697G>A, p.Arg566Lys (NM_001406783.1, NM_001406786.1); c.1733G>A, p.Arg578Lys (NM_001406784.1); and 10 more; short protein forms R908K, R654K, R425K, R513K, R733K, R863K, R564K, R666K.
Identifiers: ClinVar variation 477354 (VCV000477354.9), dbSNP rs753156691, ClinGen allele CA040551.

ClinVar aggregate classification (germline): Uncertain significance (1 of 4 stars; one submission).

Conditions:
Multiple endocrine neoplasia, type 2 (MEN2). Identifiers: Orphanet 653, MedGen C4048306, MONDO:0019003. Disease mechanism: gain of function.

Allele frequency attached by ClinVar (database versions not stated): gnomAD exomes below 0.00001; ExAC 0.00001.

Submission:

Labcorp Genetics (formerly Invitae), Labcorp
Classification: Uncertain significance for Multiple endocrine neoplasia, type 2. Last evaluated: 2024-04-16. Review status: criteria provided, single submitter. Criteria: Invitae Variant Classification Sherloc (09022015). Collection method: clinical testing. Allele origin: germline.
Comment: This sequence change replaces arginine, which is basic and polar, with lysine, which is basic and polar, at codon 908 of the RET protein (p.Arg908Lys). This variant is present in population databases (rs753156691, gnomAD 0.0009%). This variant has not been reported in the literature in individuals affected with RET-related conditions. ClinVar contains an entry for this variant (Variation ID: 477354). Algorithms developed to predict the effect of missense changes on protein structure and function output the following: SIFT: "Not Available"; PolyPhen-2: "Benign"; Align-GVGD: "Not Available". The lysine amino acid residue is found in multiple mammalian species, which suggests that this missense change does not adversely affect protein function. In summary, the available evidence is currently insufficient to determine the role of this variant in disease. Therefore, it has been classified as a Variant of Uncertain Significance.